The following is an entry in ClinVar:

ClinVar aggregate classification (germline): Uncertain significance (1 of 4 stars; one submission).

gnomAD v4.1: 74 of 1,613,848 alleles (0.0046%); highest among the groups gnomAD compares: South Asian, 0.025%; no homozygotes.

Submission:

Labcorp Genetics (formerly Invitae), Labcorp
Classification: Uncertain significance. Last evaluated: 2025-12-08. Review status: criteria provided, single submitter. Criteria: Invitae Variant Classification Sherloc (09022015). Collection method: clinical testing. Allele origin: germline.
Comment: This sequence change replaces aspartic acid, which is acidic and polar, with asparagine, which is neutral and polar, at codon 3626 of the FAT1 protein (p.Asp3626Asn). This variant is present in population databases (rs753458608, gnomAD 0.03%). This variant has not been reported in the literature in individuals affected with FAT1-related conditions. ClinVar contains an entry for this variant (Variation ID: 2052880). An algorithm developed to predict the effect of missense changes on protein structure and function (PolyPhen-2) suggests that this variant is likely to be disruptive. In summary, the available evidence is currently insufficient to determine the role of this variant in disease. Therefore, it has been classified as a Variant of Uncertain Significance.

NM_005245.4(FAT1):c.10876G>A (p.Asp3626Asn)

Genes: FAT1 (FAT atypical cadherin 1; minus strand), LOC126807254 (BRD4-independent group 4 enhancer GRCh37_chr4:187524269-187525468; plus strand). Cytogenetic location: 4q35.2.
Variant type: single nucleotide variant.
Coding change: c.10876G>A on transcript NM_005245.4 (MANE Select); coding-DNA position 10876, G replaced by A.
Protein change: p.Asp3626Asn; replaces aspartic acid 3626 with asparagine.
Molecular consequence: missense variant.
Genome position (GRCh38, 1-based): chr4:186,603,650, C>T on the plus strand (G>A on the coding strand, the complement: FAT1 is on the minus strand). VCF-style: chr4-186603650-C-T. GRCh37 (hg19) VCF-style: chr4-187524804-C-T.
Other names: short protein forms D3626N.
Identifiers: ClinVar variation 2052880 (VCV002052880.4), dbSNP rs753458608, ClinGen allele CA3165242.